The following is an entry in ClinVar:

NM_024422.6(DSC2):c.975A>C (p.Val325=)

Gene: DSC2 (desmocollin 2; minus strand). Cytogenetic location: 18q12.1.
Variant type: single nucleotide variant.
Coding change: c.975A>C on transcript NM_024422.6 (MANE Select); coding-DNA position 975, A replaced by C.
Protein change: p.Val325=; no amino-acid change (valine 325 retained).
Molecular consequence: synonymous variant.
Genome position (GRCh38, 1-based): chr18:31,083,028, T>G on the plus strand (A>C on the coding strand, the complement: DSC2 is on the minus strand). VCF-style: chr18-31083028-T-G. GRCh37 (hg19) VCF-style: chr18-28662994-T-G.
Other names: c.546A>C, p.Val182= (NM_001406506.1, NM_001406507.1); c.975A>C, p.Val325= (NM_004949.5).
Identifiers: ClinVar variation 1902554 (VCV001902554.6), dbSNP rs1411764092, ClinGen allele CA503387798.

ClinVar aggregate classification (germline): Likely benign. Review status: criteria provided, multiple submitters, no conflicts (2 of 4 stars). 2 submissions from 2 submitters: Likely benign (2). Last evaluated 2025-06-15.

Conditions:
Familial isolated arrhythmogenic right ventricular dysplasia. Identifiers: Orphanet 217656, MedGen C4274968, MONDO:0016342.
Arrhythmogenic right ventricular dysplasia 11. Also called: Arrhythmogenic Right Ventricular Dysplasia/Cardiomyopathy11; ARRHYTHMOGENIC RIGHT VENTRICULAR DYSPLASIA, FAMILIAL, 11; Arrhythmogenic right ventricular dysplasia 11 with mild palmoplantar keratoderma and woolly hair. Identifiers: MedGen C1864850, MONDO:0012506, OMIM 610476.

Submissions (2):

Labcorp Genetics (formerly Invitae), Labcorp
Classification: Likely benign for Arrhythmogenic right ventricular dysplasia 11. Last evaluated: 2025-06-15. Review status: criteria provided, single submitter. Criteria: Invitae Variant Classification Sherloc (09022015). Collection method: clinical testing. Allele origin: germline.

All of Us Research Program, National Institutes of Health
Classification: Likely benign for Familial isolated arrhythmogenic right ventricular dysplasia. Last evaluated: 2023-02-24. Review status: criteria provided, single submitter. Criteria: ACMG Guidelines, 2015. Collection method: clinical testing. Allele origin: germline. Inheritance: Autosomal dominant inheritance. Observed: 1 variant allele, 1 heterozygote.
Comment: This study involves interpretation of variants in research participants for the purpose of population health screening. Participant phenotype was not available at the time of variant classification. Additional details can be found in publication PMID: 35346344, PMCID: PMC8962531